The following is an entry in ClinVar:

ClinVar aggregate classification (germline): Pathogenic/Likely pathogenic. Review status: criteria provided, multiple submitters, no conflicts (2 of 4 stars). 6 submissions from 6 submitters: Pathogenic (2); Likely pathogenic (4). Last evaluated 2026-10-24.

Conditions:
Congenital myasthenic syndrome 10. Also called: Myasthenia, limb-girdle, familial. Identifiers: Orphanet 590, MedGen C1850792, MONDO:0009690, OMIM 254300.
Fetal akinesia deformation sequence 3. Identifiers: MedGen C4760599, MONDO:0100103, OMIM 618389.
Congenital myasthenic syndrome (CMS). Also called: Congenital Myasthenic Syndromes. Identifiers: Orphanet 590, MedGen C0751882, MeSH D020294, MONDO:0018940.
Fetal akinesia deformation sequence 1 (FADS1). Also called: Fetal akinesia sequence; Pena-Shokeir syndrome type I. Identifiers: Orphanet 994, MedGen C1276035, MONDO:0100101, OMIM 208150, HP:0001989.

Submissions (6):

GeneDx
Classification: Likely pathogenic. Last evaluated: 2026-10-24. Review status: criteria provided, single submitter. Criteria: GeneDx Variant Classification Process June 2021. Collection method: clinical testing. Allele origin: germline.
Comment: Frameshift variant predicted to result in protein truncation in a gene for which loss of function is a known mechanism of disease; Not observed at significant frequency in large population cohorts (gnomAD); Has not been previously published as pathogenic or benign to our knowledge; This variant is associated with the following publications: (PMID: 31589614)

Labcorp Genetics (formerly Invitae), Labcorp
Classification: Pathogenic for Congenital myasthenic syndrome 10; Fetal akinesia deformation sequence 1. Last evaluated: 2025-02-10. Review status: criteria provided, single submitter. Criteria: Invitae Variant Classification Sherloc (09022015). Collection method: clinical testing. Allele origin: germline.
Comment: This sequence change creates a premature translational stop signal (p.Lys320Glnfs*49) in the DOK7 gene. While this is not anticipated to result in nonsense mediated decay, it is expected to disrupt the last 185 amino acid(s) of the DOK7 protein. This variant is present in population databases (no rsID available, gnomAD 0.01%). This variant has not been reported in the literature in individuals affected with DOK7-related conditions. ClinVar contains an entry for this variant (Variation ID: 465693). This variant disrupts a region of the DOK7 protein in which other variant(s) (p.Asp433Argfs*18) have been determined to be pathogenic (PMID: 17439981, 22661499). This suggests that this is a clinically significant region of the protein, and that variants that disrupt it are likely to be disease-causing. For these reasons, this variant has been classified as Pathogenic.

Fulgent Genetics
Classification: Likely pathogenic for Congenital myasthenic syndrome 10; Fetal akinesia deformation sequence 3. Last evaluated: 2024-04-16. Review status: criteria provided, single submitter. Criteria: ACMG Guidelines, 2015. Collection method: clinical testing. Allele origin: germline.

Baylor Genetics
Classification: Likely pathogenic for Fetal akinesia deformation sequence 3. Last evaluated: 2024-01-06. Review status: criteria provided, single submitter. Criteria: ACMG Guidelines, 2015. Collection method: clinical testing. Allele origin: unknown.

Women's Health and Genetics/Laboratory Corporation of America, LabCorp
Classification: Pathogenic for Congenital myasthenic syndrome. Last evaluated: 2023-04-24. Review status: criteria provided, single submitter. Criteria: LabCorp Variant Classification Summary - May 2015. Collection method: clinical testing. Allele origin: germline.
Comment: Variant summary: DOK7 c.957dupC (p.Lys320GlnfsX49) results in a premature termination codon, predicted to cause a truncation of the encoded protein, which are commonly known mechanisms for disease. Variants downstream of this position have been classified as pathogenic by our laboratory (e.g. c.1263dupC). The variant allele was found at a frequency of 2.9e-05 in 138024 control chromosomes. To our knowledge, no occurrence of c.957dupC in individuals affected with Congenital Myasthenic Syndrome and no experimental evidence demonstrating its impact on protein function have been reported. Two clinical diagnostic laboratories have submitted clinical-significance assessments for this variant to ClinVar after 2014 without evidence for independent evaluation. Both laboratories classified the variant as likely pathogenic. Based on the evidence outlined above, the variant was classified as pathogenic.

Mendelics
Classification: Likely pathogenic for Fetal akinesia deformation sequence 1. Last evaluated: 2019-05-28. Review status: criteria provided, single submitter. Criteria: Mendelics Assertion Criteria 2017. Collection method: clinical testing. Allele origin: unknown.

Literature cited by the submitters: PubMed 17439981 (cited by Labcorp Genetics (formerly Invitae), Labcorp); PubMed 22661499 (cited by Labcorp Genetics (formerly Invitae), Labcorp).

NM_173660.5(DOK7):c.957dup (p.Lys320fs)

Gene: DOK7 (docking protein 7; plus strand). Cytogenetic location: 4p16.3.
Variant type: Duplication.
Coding change: c.957dup on transcript NM_173660.5 (MANE Select); coding-DNA position 957, one base duplicated (C; older notation c.957dupC).
Protein change: p.Lys320fs; shifts the reading frame from lysine 320.
Molecular consequence: frameshift variant. On other transcripts: 3 prime UTR variant (1).
Genome position (GRCh38, 1-based): chr4:3,492,943, C duplicated; the last of 6 consecutive C bases (chr4:3,492,938-3,492,943); duplicating any one gives the same sequence. VCF-style (leftmost placement, unchanged base first): chr4-3492937-A-AC. GRCh37 (hg19) VCF-style: chr4-3494664-A-AC.
Other names: c.957dup (NM_173660.4); c.957dupC (NM_173660.4); c.*178dup (NM_001164673.2); c.27dup, p.Lys10fs (NM_001256896.2); c.957dup, p.Lys320fs (NM_001301071.2); c.525dup, p.Lys176fs (NM_001363811.2); short protein forms K320fs, K10fs, K176fs.
Identifiers: ClinVar variation 465693 (VCV000465693.11), dbSNP rs794727884, ClinGen allele CA549706289.
Genomic context (GRCh38, chr4:3,492,937, plus strand): 5'-GGGGCCTAGACCAGCAGCTGCCCAGGCCGCCGGGGAAGCCATGGTGGGTGCCTCAAGGCC[A>AC]CCCCCCAAGCCGCTGCGTCCGCGGCAGCTGCAGGAGGTTGGCCGCCAGAGCTCCTCGGAC-3'